The following is an entry in ClinVar:

ClinVar aggregate classification (germline): Uncertain significance. Review status: reviewed by expert panel (3 of 4 stars). 2 submissions from 2 submitters: Uncertain significance (1). 1 of the submissions does not count toward it. Last evaluated 2024-10-29.

Conditions:
Hereditary thrombocytopenia and hematological cancer predisposition syndrome associated with RUNX1. Also called: Familial Platelet Disorder with Propensity to Acute Myelogenous Leukemia; Familial thrombocytopenia with propensity to acute myelogenous leukemia; RUNX1 Familial Platelet Disorder with Associated Myeloid Malignancies; PLATELET DISORDER, ASPIRIN-LIKE. Identifiers: Orphanet 71290, MedGen C1832388, MeSH C563324, MONDO:0100083, OMIM 601399.
Hereditary thrombocytopenia and hematologic cancer predisposition syndrome. Identifiers: Orphanet 71290, MedGen CN281654, MONDO:0011071.

Submissions (2):

ClinGen Myeloid Malignancy Variant Curation Expert Panel
Classification: Uncertain significance for Hereditary thrombocytopenia and hematologic cancer predisposition syndrome. Last evaluated: 2024-10-29. Review status: reviewed by expert panel. Criteria: ClinGen MyeloMalig ACMG Specifications v2. Collection method: curation. Allele origin: germline. Inheritance: Autosomal dominant inheritance.
Comment: NM_001754.5(RUNX1):c.1234G>C (p.Gly412Arg) is a missense variant which has a REVEL score < 0.50 (0.433) and a SpliceAI score ≤ 0.20 (0.0) (BP4). This variant is completely absent from all population databases with at least 20x coverage for RUNX1 (PM2_Supporting). In summary, the clinical significance of this variant is uncertain. ACMG/AMP criteria applied, as specified by the Myeloid Malignancy Variant Curation Expert Panel for RUNX1: BP4, PM2_supporting.

Labcorp Genetics (formerly Invitae), Labcorp
Classification: Uncertain significance for Hereditary thrombocytopenia and hematological cancer predisposition syndrome associated with RUNX1. Last evaluated: 2025-08-11. Review status: criteria provided, single submitter. Criteria: Invitae Variant Classification Sherloc (09022015). Collection method: clinical testing. Allele origin: germline. Not counted in ClinVar's aggregate classification.
Comment: This sequence change replaces glycine, which is neutral and non-polar, with arginine, which is basic and polar, at codon 412 of the RUNX1 protein (p.Gly412Arg). This variant is not present in population databases (gnomAD no frequency). This variant has not been reported in the literature in individuals affected with RUNX1-related conditions. ClinVar contains an entry for this variant (Variation ID: 663009). Invitae Evidence Modeling of protein sequence and biophysical properties (such as structural, functional, and spatial information, amino acid conservation, physicochemical variation, residue mobility, and thermodynamic stability) has been performed for this missense variant. However, the output from this modeling did not meet the statistical confidence thresholds required to predict the impact of this variant on RUNX1 protein function. In summary, the available evidence is currently insufficient to determine the role of this variant in disease. Therefore, it has been classified as a Variant of Uncertain Significance.

NM_001754.5(RUNX1):c.1234G>C (p.Gly412Arg)

Gene: RUNX1 (RUNX family transcription factor 1; minus strand). Cytogenetic location: 21q22.12.
Variant type: single nucleotide variant.
Coding change: c.1234G>C on transcript NM_001754.5 (MANE Select); coding-DNA position 1234, G replaced by C.
Protein change: p.Gly412Arg; replaces glycine 412 with arginine.
Molecular consequence: missense variant.
Genome position (GRCh38, 1-based): chr21:34,792,344, C>G on the plus strand (G>C on the coding strand, the complement: RUNX1 is on the minus strand). VCF-style: chr21-34792344-C-G. GRCh37 (hg19) VCF-style: chr21-36164641-C-G.
Other names: NM_001754.5(RUNX1):c.1234G>C; p.Gly412Arg; c.1153G>C, p.Gly385Arg (NM_001001890.3); short protein forms G412R, G385R.
Identifiers: ClinVar variation 663009 (VCV000663009.9), dbSNP rs1601332742, ClinGen allele CA410147720.
Genomic context (GRCh38, chr21:34,792,344, plus strand): 5'-AGGGCGGCAGGATGCGCGGCGGCGAGCGCTCGCCGCCCACCATGGAGAACTGGTAGGAGC[C>G]GGCCGAGGCGCCGTAGTACAGGTGGTAGGAGGGCGAGCTGGCTTGGAACGGGCCTCCCTG-3'
Protein context (NP_001745.2, residues 402-422): SYHLYYGASA[Gly412Arg]SYQFSMVGGE